The following is an entry in ClinVar:

NM_001035.3(RYR2):c.10684G>C (p.Glu3562Gln)

Gene: RYR2 (ryanodine receptor 2; plus strand). Cytogenetic location: 1q43.
Variant type: single nucleotide variant.
Coding change: c.10684G>C on transcript NM_001035.3 (MANE Select); coding-DNA position 10684, G replaced by C.
Protein change: p.Glu3562Gln; replaces glutamic acid 3562 with glutamine.
Molecular consequence: missense variant.
Genome position (GRCh38, 1-based): chr1:237,723,257, G>C. VCF-style: chr1-237723257-G-C. GRCh37 (hg19) VCF-style: chr1-237886557-G-C.
Other names: short protein forms E3562Q.
Identifiers: ClinVar variation 3074839 (VCV003074839.1), dbSNP rs1689902083, ClinGen allele CA345416248.

ClinVar aggregate classification (germline): Uncertain significance (1 of 4 stars; one submission).

Conditions:
Catecholaminergic polymorphic ventricular tachycardia (CVPT). Also called: Catecholamine-induced polymorphic ventricular tachycardia. Identifiers: Orphanet 3286, MedGen C5574922, MONDO:0017990.

Allele frequency attached by ClinVar (database versions not stated): TOPMed below 0.00001; gnomAD 0.00001.
gnomAD v4.1: 1 of 1,611,014 alleles (0.000062%); highest among the groups gnomAD compares: Non-Finnish European, 0.000085%; no homozygotes.

Submission:

All of Us Research Program, National Institutes of Health
Classification: Uncertain significance for Catecholaminergic polymorphic ventricular tachycardia. Last evaluated: 2023-12-13. Review status: criteria provided, single submitter. Criteria: ACMG Guidelines, 2015. Collection method: clinical testing. Allele origin: germline. Inheritance: Autosomal dominant inheritance. Observed: 1 variant allele, 1 heterozygote.
Comment: This missense variant replaces glutamic acid with glutamine at codon 3562 of the RYR2 protein. Computational prediction suggests that this variant may not impact protein structure and function (internally defined REVEL score threshold <= 0.5, PMID: 27666373). To our knowledge, functional studies have not been reported for this variant. This variant has not been reported in individuals affected with RYR2-related disorders in the literature. This variant has not been identified in the general population by the Genome Aggregation Database (gnomAD). The available evidence is insufficient to determine the role of this variant in disease conclusively. Therefore, this variant is classified as a Variant of Uncertain Significance.

This study involves interpretation of variants in research participants for the purpose of population health screening. Participant phenotype was not available at the time of variant classification. Additional details can be found in publication PMID: 35346344, PMCID: PMC8962531